The following is an entry in ClinVar:

NM_001042492.3(NF1):c.7314C>G (p.Tyr2438Ter)

Gene: NF1 (neurofibromin 1; plus strand). Cytogenetic location: 17q11.2.
Variant type: single nucleotide variant.
Coding change: c.7314C>G on transcript NM_001042492.3 (MANE Select); coding-DNA position 7314, C replaced by G.
Protein change: p.Tyr2438Ter; replaces tyrosine 2438 with a stop codon.
Molecular consequence: nonsense.
Genome position (GRCh38, 1-based): chr17:31,349,244, C>G. VCF-style: chr17-31349244-C-G. GRCh37 (hg19) VCF-style: chr17-29676262-C-G.
Other names: c.7251C>G, p.Tyr2417Ter (NM_000267.4); short protein forms Y2438*, Y2417*.
Identifiers: ClinVar variation 404615 (VCV000404615.10), dbSNP rs1060500385, ClinGen allele CA16615290.

ClinVar aggregate classification (germline): Pathogenic. Review status: criteria provided, multiple submitters, no conflicts (2 of 4 stars). 3 submissions from 3 submitters: Pathogenic (3). Last evaluated 2025-12-10.

Conditions:
Neurofibromatosis, type 1 (NF1). Also called: Neurofibromatosis, type I; NEUROFIBROMATOSIS, TYPE I, SOMATIC; Peripheral type neurofibromatosis; VON RECKLINGHAUSEN DISEASE. Identifiers: Orphanet 636, MedGen C0027831, MONDO:0018975, OMIM 162200. Disease mechanism: loss of function.

Submissions (3):

GeneDx
Classification: Pathogenic. Last evaluated: 2025-12-10. Review status: criteria provided, single submitter. Criteria: GeneDx Variant Classification Process June 2021. Collection method: clinical testing. Allele origin: germline. Affected: yes.
Comment: Nonsense variant predicted to result in protein truncation or nonsense mediated decay in a gene for which loss of function is a known mechanism of disease; Not observed at significant frequency in large population cohorts (gnomAD); Has not been previously published as pathogenic or benign to our knowledge

Labcorp Genetics (formerly Invitae), Labcorp
Classification: Pathogenic for Neurofibromatosis, type 1. Last evaluated: 2025-05-17. Review status: criteria provided, single submitter. Criteria: Invitae Variant Classification Sherloc (09022015). Collection method: clinical testing. Allele origin: germline.
Comment: This sequence change creates a premature translational stop signal (p.Tyr2417*) in the NF1 gene. It is expected to result in an absent or disrupted protein product. Loss-of-function variants in NF1 are known to be pathogenic (PMID: 10712197, 23913538). This variant is not present in population databases (gnomAD no frequency). This variant has not been reported in the literature in individuals affected with NF1-related conditions. Invitae Evidence Modeling of clinical and family history, age, sex, and reported ancestry of multiple individuals with this NF1 variant has been performed. This variant is expected to be pathogenic with a positive predictive value of at least 99%. This is a validated machine learning model that incorporates the clinical features of 1,785,918 individuals referred to our laboratory for NF1 testing. ClinVar contains an entry for this variant (Variation ID: 404615). Algorithms developed to predict the effect of sequence changes on RNA splicing suggest that this variant may disrupt the consensus splice site. For these reasons, this variant has been classified as Pathogenic.

Genome-Nilou Lab
Classification: Pathogenic for Neurofibromatosis, type 1. Last evaluated: 2022-03-15. Review status: criteria provided, single submitter. Criteria: ACMG Guidelines, 2015. Collection method: clinical testing. Allele origin: germline. Affected: no.

Literature cited by the submitters: PubMed 10712197 (cited by Labcorp Genetics (formerly Invitae), Labcorp); PubMed 23913538 (cited by Labcorp Genetics (formerly Invitae), Labcorp).